The following is an entry in ClinVar:

NM_000350.3(ABCA4):c.2903G>T (p.Gly968Val)

Gene: ABCA4 (ATP binding cassette subfamily A member 4; minus strand). Cytogenetic location: 1p22.1.
Variant type: single nucleotide variant.
Coding change: c.2903G>T on transcript NM_000350.3 (MANE Select); coding-DNA position 2903, G replaced by T.
Protein change: p.Gly968Val; replaces glycine 968 with valine.
Molecular consequence: missense variant.
Genome position (GRCh38, 1-based): chr1:94,046,934, C>A on the plus strand (G>T on the coding strand, the complement: ABCA4 is on the minus strand). VCF-style: chr1-94046934-C-A. GRCh37 (hg19) VCF-style: chr1-94512490-C-A.
Other names: c.2681G>T, p.Gly894Val (NM_001425324.1); short protein forms G968V, G894V.
Identifiers: ClinVar variation 4777269 (VCV004777269.1).

ClinVar aggregate classification (germline): Likely pathogenic (1 of 4 stars; one submission).

Submission:

Labcorp Genetics (formerly Invitae), Labcorp
Classification: Likely pathogenic. Last evaluated: 2025-07-13. Review status: criteria provided, single submitter. Criteria: Invitae Variant Classification Sherloc (09022015). Collection method: clinical testing. Allele origin: germline.
Comment: This sequence change replaces glycine, which is neutral and non-polar, with valine, which is neutral and non-polar, at codon 968 of the ABCA4 protein (p.Gly968Val). This variant is not present in population databases (gnomAD no frequency). This missense change has been observed in individual(s) with clinical features of Stargardt disease (internal data). Invitae Evidence Modeling of protein sequence and biophysical properties (such as structural, functional, and spatial information, amino acid conservation, physicochemical variation, residue mobility, and thermodynamic stability) indicates that this missense variant is expected to disrupt ABCA4 protein function with a positive predictive value of 95%. This variant disrupts the p.Gly968 amino acid residue in ABCA4. Other variant(s) that disrupt this residue have been determined to be pathogenic (internal data). This suggests that this residue is clinically significant, and that variants that disrupt this residue are likely to be disease-causing. In summary, the currently available evidence indicates that the variant is pathogenic, but additional data are needed to prove that conclusively. Therefore, this variant has been classified as Likely Pathogenic.